The following is an entry in ClinVar:

NM_004360.5(CDH1):c.521A>T (p.Asn174Ile)

Gene: CDH1 (cadherin 1; plus strand). Cytogenetic location: 16q22.1.
Variant type: single nucleotide variant.
Coding change: c.521A>T on transcript NM_004360.5 (MANE Select); coding-DNA position 521, A replaced by T.
Protein change: p.Asn174Ile; replaces asparagine 174 with isoleucine.
Molecular consequence: missense variant. On other transcripts: 5 prime UTR variant (2).
Genome position (GRCh38, 1-based): chr16:68,808,557, A>T. VCF-style: chr16-68808557-A-T. GRCh37 (hg19) VCF-style: chr16-68842460-A-T.
Other names: c.521A>T (NM_004360.3); c.521A>T, p.Asn174Ile (NM_001317184.2); c.-1095A>T (NM_001317185.2); c.-1299A>T (NM_001317186.2); short protein forms N174I.
Identifiers: ClinVar variation 1008183 (VCV001008183.11), dbSNP rs1597890718, ClinGen allele CA396457803.
Genomic context (GRCh38, chr16:68,808,557, plus strand): 5'-GAGACTGGGTTATTCCTCCCATCAGCTGCCCAGAAAATGAAAAAGGCCCATTTCCTAAAA[A>T]CCTGGTTCAGGTAGAGAAAGAAGTTCTCTGTTTCTCTGGGAGGGATTTGGCAGAGAAGTA-3'
Protein context (NP_004351.1, residues 164-184): PENEKGPFPK[Asn174Ile]LVQIKSNKDK

ClinVar aggregate classification (germline): Conflicting classifications of pathogenicity. Review status: criteria provided, conflicting classifications (1 of 4 stars). 2 submissions from 2 submitters: Uncertain significance (1); Likely benign (1). Last evaluated 2026-07-06.

Conditions:
Hereditary cancer-predisposing syndrome. Also called: Tumor predisposition; Hereditary Cancer Syndrome; Hereditary neoplastic syndrome; Neoplastic Syndromes, Hereditary. Identifiers: Orphanet 140162, MedGen C0027672, MeSH D009386, MONDO:0015356.
Hereditary diffuse gastric adenocarcinoma (HDGC). Also called: DIFFUSE GASTRIC AND LOBULAR BREAST CANCER SYNDROME. Identifiers: Orphanet 26106, MedGen C1708349, MONDO:0007648, OMIM 137215.

Submissions (2):

Ambry Genetics
Classification: Likely benign for Hereditary cancer-predisposing syndrome. Last evaluated: 2026-07-06. Review status: criteria provided, single submitter. Criteria: Ambry Variant Classification Scheme 2023. Collection method: clinical testing. Allele origin: germline.

Labcorp Genetics (formerly Invitae), Labcorp
Classification: Uncertain significance for Hereditary diffuse gastric adenocarcinoma. Last evaluated: 2020-10-09. Review status: criteria provided, single submitter. Criteria: Invitae Variant Classification Sherloc (09022015). Collection method: clinical testing. Allele origin: germline.
Comment: Algorithms developed to predict the effect of missense changes on protein structure and function are either unavailable or do not agree on the potential impact of this missense change (SIFT: "Deleterious"; PolyPhen-2: "Benign"; Align-GVGD: "Class C15"). This sequence change replaces asparagine with isoleucine at codon 174 of the CDH1 protein (p.Asn174Ile). The asparagine residue is moderately conserved and there is a large physicochemical difference between asparagine and isoleucine. This variant is not present in population databases (ExAC no frequency). This variant has not been reported in the literature in individuals with CDH1-related conditions. In summary, the available evidence is currently insufficient to determine the role of this variant in disease. Therefore, it has been classified as a Variant of Uncertain Significance.